The following is an entry in ClinVar:

ClinVar aggregate classification (germline): Likely benign. Review status: criteria provided, multiple submitters, no conflicts (2 of 4 stars). 3 submissions from 3 submitters: Likely benign (3). Last evaluated 2025-03-13.

Conditions:
Cardiomyopathy (CMYO). Also called: Cardiomyopathies. Identifiers: Orphanet 167848, MedGen C0878544, MONDO:0004994, HP:0001638. Inheritance: Various modes of inheritance.
Hypertrophic cardiomyopathy. Also called: HYPERTROPHIC MYOCARDIOPATHY. Identifiers: Orphanet 217569, MedGen C0007194, MeSH D002312, MONDO:0005045, HP:0001639.

gnomAD v4.1: 10 of 1,613,874 alleles (0.00062%); highest among the groups gnomAD compares: Non-Finnish European, 0.00085%; no homozygotes.

Submissions (3):

Labcorp Genetics (formerly Invitae), Labcorp
Classification: Likely benign for Hypertrophic cardiomyopathy. Last evaluated: 2025-03-13. Review status: criteria provided, single submitter. Criteria: Invitae Variant Classification Sherloc (09022015). Collection method: clinical testing. Allele origin: germline.

All of Us Research Program, National Institutes of Health
Classification: Likely benign for Hypertrophic cardiomyopathy. Last evaluated: 2023-09-04. Review status: criteria provided, single submitter. Criteria: ACMG Guidelines, 2015. Collection method: clinical testing. Allele origin: germline. Inheritance: Autosomal dominant inheritance. Observed: 3 variant alleles, 3 heterozygotes.
Comment: This study involves interpretation of variants in research participants for the purpose of population health screening. Participant phenotype was not available at the time of variant classification. Additional details can be found in publication PMID: 35346344, PMCID: PMC8962531

Color Diagnostics, LLC DBA Color Health
Classification: Likely benign for Cardiomyopathy. Last evaluated: 2021-12-21. Review status: criteria provided, single submitter. Criteria: ACMG Guidelines, 2015. Collection method: clinical testing. Allele origin: germline.

NM_000256.3(MYBPC3):c.3675C>T (p.Ala1225=)

Gene: MYBPC3 (myosin binding protein C3; minus strand). Cytogenetic location: 11p11.2.
Variant type: single nucleotide variant.
Coding change: c.3675C>T on transcript NM_000256.3 (MANE Select); coding-DNA position 3675, C replaced by T.
Protein change: p.Ala1225=; no amino-acid change (alanine 1225 retained).
Molecular consequence: synonymous variant.
Genome position (GRCh38, 1-based): chr11:47,332,211, G>A on the plus strand (C>T on the coding strand, the complement: MYBPC3 is on the minus strand). VCF-style: chr11-47332211-G-A. GRCh37 (hg19) VCF-style: chr11-47353762-G-A.
Identifiers: ClinVar variation 2758915 (VCV002758915.5), dbSNP rs1220003185, ClinGen allele CA474428889.